The following is an entry in ClinVar:

NM_006514.4(SCN10A):c.4063A>G (p.Met1355Val)

Gene: SCN10A (sodium voltage-gated channel alpha subunit 10; minus strand). Cytogenetic location: 3p22.2.
Variant type: single nucleotide variant.
Coding change: c.4063A>G on transcript NM_006514.4 (MANE Select); coding-DNA position 4063, A replaced by G.
Protein change: p.Met1355Val; replaces methionine 1355 with valine.
Molecular consequence: missense variant.
Genome position (GRCh38, 1-based): chr3:38,712,187, T>C on the plus strand (A>G on the coding strand, the complement: SCN10A is on the minus strand). VCF-style: chr3-38712187-T-C. GRCh37 (hg19) VCF-style: chr3-38753678-T-C.
Other names: c.4060A>G, p.Met1354Val (NM_001293306.2); c.3769A>G, p.Met1257Val (NM_001293307.2); short protein forms M1355V, M1257V, M1354V.
Identifiers: ClinVar variation 463254 (VCV000463254.12), dbSNP rs375458594, ClinGen allele CA2320044.
Genomic context (GRCh38, chr3:38,712,187, plus strand): 5'-GCAAGAGATATGGTTGATCTCATGGTTGACTCACCACCTGCAGAAGTGCAAGGTAACCCA[T>C]TGCAACATTATCAAAGTTGACTTTCACATTGACCCAGAAGAAGCTGCCAGTGGAGTTTTG-3'
Protein context (NP_006505.4, residues 1345-1365): NVKVNFDNVA[Met1355Val]GYLALLQVAT

ClinVar aggregate classification (germline): Likely benign. Review status: criteria provided, multiple submitters, no conflicts (2 of 4 stars). 3 submissions from 3 submitters: Likely benign (3). Last evaluated 2026-03-18.

Conditions:
Cardiovascular phenotype. Identifiers: MedGen CN230736.
SCN10A-related disorder. Also called: SCN10A-related condition.
Brugada syndrome. Also called: Sudden unexpected nocturnal death syndrome; Sudden unexplained nocturnal death syndrome; Sudden Unexplained Death Syndrome; Sudden Unexplained Nocturnal Death Syndrome (SUNDS). Identifiers: Orphanet 130, MedGen C1142166, MONDO:0015263.

Allele frequency attached by ClinVar (database versions not stated): gnomAD exomes 0.00003 and 0.00014; gnomAD 0.00007; ESP Exome Variant Server 0.00008; TOPMed 0.00012; ExAC 0.00018.

Submissions (3):

PreventionGenetics, part of Exact Sciences
Classification: Likely benign for SCN10A-related condition. Last evaluated: 2026-03-18. Review status: criteria provided, single submitter. Criteria: ACMG Guidelines, 2015. Collection method: clinical testing. Allele origin: germline.
Comment: This variant is classified as likely benign based on ACMG/AMP sequence variant interpretation guidelines (Richards et al. 2015 PMID: 25741868, with internal and published modifications).

Labcorp Genetics (formerly Invitae), Labcorp
Classification: Likely benign for Brugada syndrome. Last evaluated: 2025-09-19. Review status: criteria provided, single submitter. Criteria: Invitae Variant Classification Sherloc (09022015). Collection method: clinical testing. Allele origin: germline.

Ambry Genetics
Classification: Likely benign for Cardiovascular phenotype. Last evaluated: 2021-10-18. Review status: criteria provided, single submitter. Criteria: Ambry Variant Classification Scheme 2023. Collection method: clinical testing. Allele origin: germline.